The following is an entry in ClinVar:

ClinVar aggregate classification (germline): Pathogenic (1 of 4 stars; one submission).

Conditions:
Mucopolysaccharidosis, MPS-II (MPS2). Also called: Hunter Syndrome; IDURONATE 2-SULFATASE DEFICIENCY; Mucopolysaccharidosis Type II; Mucopolysaccharidosis type 2; Attenuated MPS (subtype; formerly known as mild MPS II); Severe MPS II. Identifiers: Orphanet 580, Orphanet 79388, MedGen C0026705, MONDO:0010674, OMIM 309900.

Submission:

Laboratory of Diagnosis and Therapy of Lysosomal Disorders, University of Padova
Classification: Pathogenic for Mucopolysaccharidosis, MPS-II. Last evaluated: 2024-06-07. Review status: criteria provided, single submitter. Criteria: ACMG Guidelines, 2015. Collection method: literature only. Allele origin: germline. Affected: yes. Observed: 1 variant allele.
Comment: In vitro or in vivo functional studies supportive of a damaging effect (PS3_Strong), Located in a mutational hot spot and/or critical functional domain (PM1_Moderate), Absent from controls (or at low frequency) in gnomAD database (PM2_Moderate), Missense variant in a gene with a low rate of benign missense variation (PP2_Supporting), Multiple lines of computational evidence support a deleterious effect (PP3_Supporting), Patient’s phenotype or family history highly specific for the disease (PP4_Moderate)

Classification method: ACMG Guidelines [PMID:25741868] with modifications

Literature cited by the submitters: PubMed 34258227.

NM_000202.8(IDS):c.251G>C (p.Cys84Ser)

Gene: IDS (iduronate 2-sulfatase; minus strand). Cytogenetic location: Xq28.
Variant type: single nucleotide variant.
Coding change: c.251G>C on transcript NM_000202.8 (MANE Select); coding-DNA position 251, G replaced by C.
Protein change: p.Cys84Ser; replaces cysteine 84 with serine.
Molecular consequence: missense variant. On other transcripts: non-coding transcript variant (1), intron variant (1).
Genome position (GRCh38, 1-based): chrX:149,503,479, C>G on the plus strand (G>C on the coding strand, the complement: IDS is on the minus strand). VCF-style: chrX-149503479-C-G. GRCh37 (hg19) VCF-style: chrX-148585009-C-G.
Other names: c.251G>C, p.Cys84Ser (NM_006123.5); c.15-34G>C (NM_001166550.4); short protein forms C84S.
Identifiers: ClinVar variation 3255629 (VCV003255629.2).
Genomic context (GRCh38, chrX:149,503,479, plus strand): 5'-TCGTACAGGCGGGTGGTGTCAGGTCTCCTGCCAGTGAGGAAAGAAACGCGGCTCGGGGCG[C>G]ACACTGCTTGCTGTTAGGGAGCAGAAGCAGAGGTAAGCATCGCCACAGCAAAACATGTCT-3'
Protein context (NP_000193.1, residues 74-94): FQNAFAQQAV[Cys84Ser]APSRVSFLTG